The following is an entry in ClinVar:

NM_004168.4(SDHA):c.1017del (p.Arg340fs)

Gene: SDHA (succinate dehydrogenase complex flavoprotein subunit A; plus strand). Cytogenetic location: 5p15.33.
Variant type: Deletion.
Coding change: c.1017del on transcript NM_004168.4 (MANE Select); coding-DNA position 1017, one base deleted (T; older notation c.1017delT).
Protein change: p.Arg340fs; shifts the reading frame from arginine 340.
Molecular consequence: frameshift variant.
Genome position (GRCh38, 1-based): chr5:233,598, T deleted. VCF-style (leftmost placement, unchanged base first): chr5-233597-CT-C. GRCh37 (hg19) VCF-style: chr5-233712-CT-C.
Other names: c.873del, p.Arg292fs (NM_001294332.2); c.1017del, p.Arg340fs (NM_001330758.2); short protein forms R292fs, R340fs.
Identifiers: ClinVar variation 4876105 (VCV004876105.1).

ClinVar aggregate classification (germline): Pathogenic (1 of 4 stars; one submission).

Conditions:
Pheochromocytoma/paraganglioma syndrome 5. Also called: Paragangliomas 5; SDHA-Related Hereditary Paraganglioma-Pheochromocytoma Syndrome. Identifiers: Orphanet 29072, MedGen C3279992, MONDO:0013602, OMIM 614165.

Submission:

Myriad Genetics, Inc.
Classification: Pathogenic for Pheochromocytoma/paraganglioma syndrome 5. Last evaluated: 2026-06-30. Review status: criteria provided, single submitter. Criteria: Myriad Autosomal Dominant, Autosomal Recessive and X-Linked Classification Criteria (2023). Collection method: clinical testing. Allele origin: unknown.
Comment: This variant is considered pathogenic. This variant creates a frameshift predicted to result in premature protein truncation.